The following is an entry in ClinVar:

NM_001365536.1(SCN9A):c.94T>A (p.Ser32Thr)

Gene: SCN9A (sodium voltage-gated channel alpha subunit 9; minus strand). Cytogenetic location: 2q24.3.
Variant type: single nucleotide variant.
Coding change: c.94T>A on transcript NM_001365536.1 (MANE Select); coding-DNA position 94, T replaced by A.
Protein change: p.Ser32Thr; replaces serine 32 with threonine.
Molecular consequence: missense variant.
Genome position (GRCh38, 1-based): chr2:166,311,663, A>T on the plus strand (T>A on the coding strand, the complement: SCN9A is on the minus strand). VCF-style: chr2-166311663-A-T. GRCh37 (hg19) VCF-style: chr2-167168173-A-T.
Other names: c.94T>A, p.Ser32Thr (NM_002977.4); short protein forms S32T.
Identifiers: ClinVar variation 1348925 (VCV001348925.9), dbSNP rs2105227008, ClinGen allele CA349096126.

ClinVar aggregate classification (germline): Uncertain significance. Review status: criteria provided, multiple submitters, no conflicts (2 of 4 stars). 2 submissions from 2 submitters: Uncertain significance (2). Last evaluated 2023-04-09.

Conditions:
Neuropathy, hereditary sensory and autonomic, type 2A (HSAN2A). Also called: HSAN IIA; MORVAN DISEASE; NEUROPATHY, CONGENITAL SENSORY; NEUROPATHY, HEREDITARY SENSORY RADICULAR, AUTOSOMAL RECESSIVE; NEUROPATHY, HEREDITARY SENSORY, TYPE IIA; NEUROPATHY, PROGRESSIVE SENSORY, OF CHILDREN. Identifiers: Orphanet 970, MedGen C2752089, MONDO:0024309, OMIM 201300.
Generalized epilepsy with febrile seizures plus, type 7 (GEFSP7). Also called: GEFS+, TYPE 7. Identifiers: Orphanet 36387, MedGen C2751778, MONDO:0013470, OMIM 613863.

Submissions (2):

Labcorp Genetics (formerly Invitae), Labcorp
Classification: Uncertain significance for Neuropathy, hereditary sensory and autonomic, type 2A; Generalized epilepsy with febrile seizures plus, type 7. Last evaluated: 2023-04-09. Review status: criteria provided, single submitter. Criteria: Invitae Variant Classification Sherloc (09022015). Collection method: clinical testing. Allele origin: germline.
Comment: In summary, the available evidence is currently insufficient to determine the role of this variant in disease. Therefore, it has been classified as a Variant of Uncertain Significance. Algorithms developed to predict the effect of missense changes on protein structure and function output the following: SIFT: "Not Available"; PolyPhen-2: "Benign"; Align-GVGD: "Not Available". The threonine amino acid residue is found in multiple mammalian species, which suggests that this missense change does not adversely affect protein function. ClinVar contains an entry for this variant (Variation ID: 1348925). This variant has not been reported in the literature in individuals affected with SCN9A-related conditions. This variant is not present in population databases (gnomAD no frequency). This sequence change replaces serine, which is neutral and polar, with threonine, which is neutral and polar, at codon 32 of the SCN9A protein (p.Ser32Thr).

Breakthrough Genomics
Classification: Uncertain significance. Review status: criteria provided, single submitter. Criteria: ACMG Guidelines, 2015. Collection method: not provided. Allele origin: germline. Inheritance: Autosomal recessive inheritance. Affected: yes.